The following is an entry in ClinVar:

ClinVar aggregate classification (germline): Uncertain significance. Review status: criteria provided, multiple submitters, no conflicts (2 of 4 stars). 3 submissions from 3 submitters: Uncertain significance (3). Last evaluated 2019-02-08.

Conditions:
Dilated cardiomyopathy 1G (CMD1G). Identifiers: Orphanet 154, MedGen C1858763, MONDO:0011400, OMIM 604145.
Autosomal recessive limb-girdle muscular dystrophy type 2J (LGMDR10). Also called: Limb-girdle muscular dystrophy, type 2J; MUSCULAR DYSTROPHY, LIMB-GIRDLE, AUTOSOMAL RECESSIVE 10. Identifiers: Orphanet 140922, MedGen C1837342, MONDO:0012127, OMIM 608807.
Cardiovascular phenotype. Identifiers: MedGen CN230736.

Allele frequency attached by ClinVar (database versions not stated): ExAC 0.00001; gnomAD exomes 0.00001; gnomAD 0.00003 and 0.00004; TOPMed 0.00004; ESP Exome Variant Server 0.00008.
gnomAD v4.1: 11 of 1,612,250 alleles (0.00068%); highest among the groups gnomAD compares: African/African-American, 0.0094%; no homozygotes.

Submissions (3):

Ambry Genetics
Classification: Uncertain significance for Cardiovascular phenotype. Last evaluated: 2019-02-08. Review status: criteria provided, single submitter. Criteria: Ambry Variant Classification Scheme 2023. Collection method: clinical testing. Allele origin: germline.
Comment: The p.W8216R variant (also known as c.24646T>C), located in coding exon 100 of the TTN gene, results from a T to C substitution at nucleotide position 24646. The tryptophan at codon 8216 is replaced by arginine, an amino acid with dissimilar properties. This amino acid position is highly conserved in available vertebrate species. In addition, this alteration is predicted to be deleterious by in silico analysis. Since supporting evidence is limited at this time, the clinical significance of this alteration remains unclear.

Labcorp Genetics (formerly Invitae), Labcorp
Classification: Uncertain significance for Dilated cardiomyopathy 1G; Autosomal recessive limb-girdle muscular dystrophy type 2J. Last evaluated: 2017-05-03. Review status: criteria provided, single submitter. Criteria: Invitae Variant Classification Sherloc (09022015). Collection method: clinical testing. Allele origin: germline.

Laboratory for Molecular Medicine, Mass General Brigham Personalized Medicine
Classification: Uncertain significance. Last evaluated: 2013-12-26. Review status: criteria provided, single submitter. Criteria: LMM Criteria. Collection method: clinical testing. Allele origin: germline. Observed: 1 variant allele.
Comment: The Trp14713Arg variant in TTN has not been reported in individuals with cardiom yopathy, but has been identified in 1/3806 African American chromosomes by the N HLBI Exome Sequencing Project (dbSNP rs368846 015). Computational analyses (biochemical amino acid properties, conservation, A lignGVGD, PolyPhen2, and SIFT) suggest that the Trp14713Arg variant may impact t he protein, though this information is not predictive enough to determine pathog enicity. Additional information is needed to fully assess the clinical significa nce of the Trp14713Arg variant.

NM_001267550.2(TTN):c.51841T>C (p.Trp17281Arg)

Genes: TTN-AS1 (TTN antisense RNA 1; plus strand), TTN (titin; minus strand). Cytogenetic location: 2q31.2.
Variant type: single nucleotide variant.
Coding change: c.51841T>C on transcript NM_001267550.2 (MANE Select); coding-DNA position 51841, T replaced by C.
Protein change: p.Trp17281Arg; replaces tryptophan 17281 with arginine.
Molecular consequence: missense variant.
Genome position (GRCh38, 1-based): chr2:178,609,469, A>G on the plus strand (T>C on the coding strand, the complement: TTN is on the minus strand). VCF-style: chr2-178609469-A-G. GRCh37 (hg19) VCF-style: chr2-179474196-A-G.
Other names: c.44137T>C, p.Trp14713Arg (NM_133378.4); c.46918T>C, p.Trp15640Arg (NM_001256850.1); c.24646T>C, p.Trp8216Arg (NM_003319.4); c.25021T>C, p.Trp8341Arg (NM_133432.3); c.25222T>C, p.Trp8408Arg (NM_133437.4); short protein forms W14713R, W17281R, W8408R, W8341R, W15640R, W8216R.
Identifiers: ClinVar variation 166001 (VCV000166001.9), dbSNP rs368846015, ClinGen allele CA178800.